The following is an entry in ClinVar:

ClinVar aggregate classification (germline): Uncertain significance (1 of 4 stars; one submission).

Allele frequency attached by ClinVar (database versions not stated): TOPMed below 0.00001; gnomAD 0.00001; ExAC 0.00003; gnomAD exomes 0.00003.
gnomAD v4.1: 16 of 1,612,794 alleles (0.00099%); highest among the groups gnomAD compares: South Asian, 0.0088%; no homozygotes.

Submission:

Labcorp Genetics (formerly Invitae), Labcorp
Classification: Uncertain significance. Last evaluated: 2023-10-03. Review status: criteria provided, single submitter. Criteria: Invitae Variant Classification Sherloc (09022015). Collection method: clinical testing. Allele origin: germline.
Comment: This sequence change replaces threonine, which is neutral and polar, with methionine, which is neutral and non-polar, at codon 458 of the TBXAS1 protein (p.Thr458Met). This variant is present in population databases (rs200831963, gnomAD 0.02%). This variant has not been reported in the literature in individuals affected with TBXAS1-related conditions. ClinVar contains an entry for this variant (Variation ID: 1385582). An algorithm developed to predict the effect of missense changes on protein structure and function (PolyPhen-2) suggests that this variant is likely to be disruptive. In summary, the available evidence is currently insufficient to determine the role of this variant in disease. Therefore, it has been classified as a Variant of Uncertain Significance.

NM_001061.7(TBXAS1):c.1370C>T (p.Thr457Met)

Gene: TBXAS1 (thromboxane A synthase 1; plus strand). Cytogenetic location: 7q34.
Variant type: single nucleotide variant.
Coding change: c.1370C>T on transcript NM_001061.7 (MANE Select); coding-DNA position 1370, C replaced by T.
Protein change: p.Thr457Met; replaces threonine 457 with methionine.
Molecular consequence: missense variant. On other transcripts: intron variant (1).
Genome position (GRCh38, 1-based): chr7:140,017,676, C>T. VCF-style: chr7-140017676-C-T. GRCh37 (hg19) VCF-style: chr7-139717476-C-T.
Other names: c.1370C>T, p.Thr457Met (NM_001130966.5); c.1508C>T, p.Thr503Met (NM_001166253.4); c.1169C>T, p.Thr390Met (NM_001166254.4); c.1313C>T, p.Thr438Met (NM_001314028.4); c.1187C>T, p.Thr396Met (NM_001366537.3); c.1364+1816C>T (NM_030984.6); short protein forms T438M, T457M, T503M, T390M, T396M.
Identifiers: ClinVar variation 1385582 (VCV001385582.8), dbSNP rs200831963, ClinGen allele CA4512024.